The following is an entry in ClinVar:

NM_007294.4(BRCA1):c.5402_5406+14del

Gene: BRCA1 (BRCA1 DNA repair associated; minus strand). Cytogenetic location: 17q21.31.
Variant type: Deletion.
Coding change: c.5402_5406+14del on transcript NM_007294.4 (MANE Select); coding-DNA position 5402 through 14 bases into the intron after coding-DNA position 5406, 19 bases deleted (GCACAGTAAGTATTGGGTG).
Molecular consequence: splice donor variant. On other transcripts: intron variant (19).
Genome position (GRCh38, 1-based): chr17:43,049,107-43,049,125, CACCCAATACTTACTGTGC deleted on the plus strand (GCACAGTAAGTATTGGGTG on the coding strand, the reverse complement: BRCA1 is on the minus strand); deleting any 19 consecutive bases within chr17:43,049,107-43,049,127 gives the same sequence; the c. name uses the placement nearest the transcript's 3' end. VCF-style (leftmost placement, unchanged base first): chr17-43049106-GCACCCAATACTTACTGTGC-G. GRCh37 (hg19) VCF-style: chr17-41201123-GCACCCAATACTTACTGTGC-G.
Other names: c.1829_1833+14del (NM_001408496.1, NM_001408498.1, NM_001408501.1 and 3 more transcripts); c.5135_5139+14del (NM_001407929.1, NM_001407931.1, NM_001407932.1 and 4 more transcripts); c.5138_5142+14del (NM_001407924.1, NM_001407922.1, NM_001407925.1 and 4 more transcripts); c.1949_1953+14del (NM_001408460.1, NM_001408458.1, NM_001408461.1 and 7 more transcripts); c.1952_1956+14del (NM_001408454.1, NM_001408453.1, NM_001408455.1 and 3 more transcripts); c.5255_5259+14del (NM_001407852.1, NM_001407848.1, NM_001407839.1 and 12 more transcripts); c.5261_5265+14del (NM_001407698.1, NM_001407728.1, NM_007297.4 and 12 more transcripts); c.5318_5322+14del (NM_001407660.1, NM_001407661.1, NM_001407659.1 and 2 more transcripts); and 84 more.
Identifiers: ClinVar variation 925403 (VCV000925403.4), dbSNP rs2051069083, ClinGen allele CA913187709.
Genomic context (GRCh38, chr17:43,049,106, plus strand): 5'-GACTGACAGGTGCCAGTCTTGCTCACAGGAGAGAATATTGTGTCCTCCCTCTCTGACAGG[GCACCCAATACTTACTGTGC>G]CAAGGGTGAATGATGAAAGCTCCTTCACCACAGAAGCACCACACAGCTGTACCATCCATT-3'

ClinVar aggregate classification (germline): Likely pathogenic (1 of 4 stars; one submission).

Conditions:
Hereditary cancer-predisposing syndrome. Also called: Neoplastic Syndromes, Hereditary; Tumor predisposition; Hereditary Cancer Syndrome; Hereditary neoplastic syndrome. Identifiers: Orphanet 140162, MedGen C0027672, MeSH D009386, MONDO:0015356.

Submission:

Color Diagnostics, LLC DBA Color Health
Classification: Likely pathogenic for Hereditary cancer-predisposing syndrome. Last evaluated: 2021-02-26. Review status: criteria provided, single submitter. Criteria: ACMG Guidelines, 2015. Collection method: clinical testing. Allele origin: germline.
Comment: The variant causes a 19-nucleotide deletion including the last 5 nucleotides of exon 21 and the first 14 nucleotides of intron 21. This variant is predicted to abolish the intron 21 splice donor site. Although this prediction has not been confirmed in published RNA studies, this variant is expected to result in an absent or disrupted protein product. This variant has not been reported in individuals affected with hereditary cancer in the literature. This variant has not been identified in the general population by the Genome Aggregation Database (gnomAD). Loss of BRCA1 function is a known mechanism of disease. Based on the available evidence, this variant is classified as Likely Pathogenic.